The following is an entry in ClinVar:

NM_005515.4(MNX1):c.878G>A (p.Arg293Gln)

Gene: MNX1 (motor neuron and pancreas homeobox 1; minus strand). Cytogenetic location: 7q36.3.
Variant type: single nucleotide variant.
Coding change: c.878G>A on transcript NM_005515.4 (MANE Select); coding-DNA position 878, G replaced by A.
Protein change: p.Arg293Gln; replaces arginine 293 with glutamine.
Molecular consequence: missense variant.
Genome position (GRCh38, 1-based): chr7:157,005,848, C>T on the plus strand (G>A on the coding strand, the complement: MNX1 is on the minus strand). VCF-style: chr7-157005848-C-T. GRCh37 (hg19) VCF-style: chr7-156798542-C-T.
Other names: c.242G>A, p.Arg81Gln (NM_001165255.2); short protein forms R293Q, R81Q.
Identifiers: ClinVar variation 2502027 (VCV002502027.2), dbSNP rs2537772400, ClinGen allele CA370162170.
Genomic context (GRCh38, chr7:157,005,848, plus strand): 5'-TGTTTCTCCGCTTCCTGCGCCGCCTGCTCTTTGGCCTTTTTGCTGCGTTTCCATTTCATC[C>T]GCCGGTTCTGGAACCAAATCTTCACCTGCGGGCACAAGCGGGCGTGAGAAACCGGCCACC-3'
Protein context (NP_005506.3, residues 283-303): TQVKIWFQNR[Arg293Gln]MKWKRSKKAK

ClinVar aggregate classification (germline): Uncertain significance. Review status: criteria provided, multiple submitters, no conflicts (2 of 4 stars). 2 submissions from 2 submitters: Uncertain significance (2). Last evaluated 2023-12-21.

Conditions:
Currarino triad. Identifiers: Orphanet 1552, MedGen C1531773, MONDO:0008305, OMIM 176450.

Submissions (2):

Genetics and Molecular Pathology, SA Pathology
Classification: Uncertain significance for Currarino triad. Last evaluated: 2023-12-21. Review status: criteria provided, single submitter. Criteria: ACMG Guidelines, 2015. Collection method: clinical testing. Allele origin: germline. Inheritance: Autosomal dominant inheritance. Affected: yes.

GeneDx
Classification: Uncertain significance. Last evaluated: 2022-11-10. Review status: criteria provided, single submitter. Criteria: GeneDx Variant Classification Process June 2021. Collection method: clinical testing. Allele origin: germline. Affected: yes.
Comment: Identified in a patient with Currarino syndrome in the published literature (Hagan et al., 2000); Not observed at significant frequency in large population cohorts (gnomAD); In silico analysis supports that this missense variant has a deleterious effect on protein structure/function; This variant is associated with the following publications: (PMID: 10749657, 18449898)